The following is an entry in ClinVar:

ClinVar aggregate classification (germline): Likely benign. Review status: criteria provided, multiple submitters, no conflicts (2 of 4 stars). 3 submissions from 3 submitters: Likely benign (2). 1 of the submissions does not count toward it. Last evaluated 2024-04-30.

Conditions:
ADULT syndrome. Also called: ACRO-DERMATO-UNGUAL-LACRIMAL-TOOTH SYNDROME; Acro-Dermo-Ungual-Lacrimal-Tooth Syndrome (ADULT Syndrome); Acro-dermato-ungual-lacrimal-tooth (adult) syndrome. Identifiers: Orphanet 978, MedGen C1863204, MONDO:0007072, OMIM 103285.
Ankyloblepharon-ectodermal defects-cleft lip/palate syndrome. Also called: Hay-Wells syndrome of ectodermal dysplasia; AEC SYNDROME; HAY-WELLS SYNDROME; Ankyloblepharon-Ectodermal Defects-Cleft Lip/Palate Syndrome (AEC Syndrome); Ankyloblepharon-ectodermal defects, cleft lip/palate. Identifiers: Orphanet 1071, MedGen C0406709, MONDO:0007124, OMIM 106260.
Orofacial cleft 8. Also called: Cleft lip with or without cleft palate, nonsyndromic, 8. Identifiers: MedGen C1851878, MONDO:0029145, OMIM 618149.
Limb-mammary syndrome (LMS). Also called: Mammary hypoplasia, ectrodactyly, and other hand/foot anomalies. Identifiers: Orphanet 69085, MedGen C1863753, MONDO:0011334, OMIM 603543.
Ectrodactyly, ectodermal dysplasia, and cleft lip-palate syndrome 3. Also called: Ectrodactyly, Ectodermal Dysplasia, Clefting Syndrome; EEC SYNDROME 3; Ectrodactyly, Ectodermal Dysplasia, Clefting Syndrome Type 3 (EEC3); Ectrodactyly, Ectodermal Dysplasia, Cleft Lip/Palate Syndrome 3 (EEC3). Identifiers: Orphanet 1896, MedGen C1858562, MONDO:0011428, OMIM 604292.
Rapp-Hodgkin syndrome (RHS). Also called: ECTODERMAL DYSPLASIA, ANHIDROTIC, WITH CLEFT LIP/PALATE; Isolated Cleft Lip/Cleft Palate (Orofacial Cleft 8); Rapp-Hodgkin ectodermal dysplasia syndrome. Identifiers: MedGen C1785148, MONDO:0007508, OMIM 129400.
Split hand-foot malformation 4. Also called: Split-Hand/Foot Malformation Type 4 (SHFM4 syndrome); Split-Hand/Foot Malformation Type 4 (SHFM4). Identifiers: Orphanet 2440, MedGen C1854442, MONDO:0011535, OMIM 605289.
TP63-Related Spectrum Disorders.
TP63-related disorder. Also called: TP63-related condition; TP63-Related Disorders. Identifiers: MedGen CN380159.

Allele frequency attached by ClinVar (database versions not stated): gnomAD exomes 0.00005; ESP Exome Variant Server 0.00015; ExAC 0.00007.
gnomAD v4.1: 47 of 1,613,560 alleles (0.0029%); highest among the groups gnomAD compares: Admixed American, 0.03%; no homozygotes.

Submissions (3):

Labcorp Genetics (formerly Invitae), Labcorp
Classification: Likely benign. Last evaluated: 2024-04-30. Review status: criteria provided, single submitter. Criteria: Invitae Variant Classification Sherloc (09022015). Collection method: clinical testing. Allele origin: germline.

Fulgent Genetics
Classification: Likely benign for ADULT syndrome; Ankyloblepharon-ectodermal defects-cleft lip/palate syndrome; Rapp-Hodgkin syndrome; Limb-mammary syndrome; Ectrodactyly, ectodermal dysplasia, and cleft lip-palate syndrome 3; Split hand-foot malformation 4; Orofacial cleft 8. Last evaluated: 2022-01-18. Review status: criteria provided, single submitter. Criteria: ACMG Guidelines, 2015. Collection method: clinical testing. Allele origin: unknown.

PreventionGenetics, part of Exact Sciences
Classification: Likely benign for TP63-related condition. Last evaluated: 2019-04-30. Review status: no assertion criteria provided. Collection method: clinical testing. Allele origin: germline. Not counted in ClinVar's aggregate classification.
Comment: This variant is classified as likely benign based on ACMG/AMP sequence variant interpretation guidelines (Richards et al. 2015 PMID: 25741868, with internal and published modifications).

NM_003722.5(TP63):c.1626G>A (p.Pro542=)

Gene: TP63 (tumor protein p63; plus strand). Cytogenetic location: 3q28.
Variant type: single nucleotide variant.
Coding change: c.1626G>A on transcript NM_003722.5 (MANE Select); coding-DNA position 1626, G replaced by A.
Protein change: p.Pro542=; no amino-acid change (proline 542 retained).
Molecular consequence: synonymous variant. On other transcripts: intron variant (4).
Genome position (GRCh38, 1-based): chr3:189,889,458, G>A. VCF-style: chr3-189889458-G-A. GRCh37 (hg19) VCF-style: chr3-189607247-G-A.
Other names: c.1626G>A (NM_003722.4); c.1626G>A, p.Pro542= (NM_001114978.2); c.1344G>A, p.Pro448= (NM_001114980.2, NM_001114981.2); c.1089G>A, p.Pro363= (NM_001329146.2); c.1614G>A, p.Pro538= (NM_001329148.2); c.1620G>A, p.Pro540= (NM_001329964.2); c.1507+2907G>A (NM_001329144.2); c.1225+2907G>A (NM_001329145.2); and 2 more.
Identifiers: ClinVar variation 1110153 (VCV001110153.9), dbSNP rs370637253, ClinGen allele CA2752533.
Genomic context (GRCh38, chr3:189,889,458, plus strand): 5'-CCAGGCACTCCCTCCCCCACTCTCCATGCCATCCACCTCCCACTGCACACCCCCACCTCC[G>A]TATCCCACAGATTGCAGCATTGTCAGGTGAGTCCACAGCATGTGCCCCTGGGGGCCTGCC-3'
Protein context (NP_003713.3, residues 532-552): PSTSHCTPPP[Pro542=]YPTDCSIVSF